The following is an entry in ClinVar:

ClinVar aggregate classification (germline): Likely pathogenic. Review status: criteria provided, multiple submitters, no conflicts (2 of 4 stars). 2 submissions from 2 submitters: Likely pathogenic (2). Last evaluated 2023-02-23.

Conditions:
Autosomal recessive limb-girdle muscular dystrophy type 2T. Also called: MUSCULAR DYSTROPHY-DYSTROGLYCANOPATHY, LIMB-GIRDLE, GMPPB-RELATED; MUSCULAR DYSTROPHY, LIMB-GIRDLE, TYPE 2T; Muscular dystrophy-dystroglycanopathy (limb-girdle), type c, 14; Limb-girdle muscular dystrophy-dystroglycanopathy, type C14. Identifiers: Orphanet 363623, MedGen C4518000, MONDO:0014142, OMIM 615352.

Allele frequency attached by ClinVar (database versions not stated): gnomAD exomes below 0.00001.
gnomAD v4.1: 2 of 1,592,682 alleles (0.00013%); highest among the groups gnomAD compares: Non-Finnish European, 0.00017%; no homozygotes.

Submissions (2):

3billion
Classification: Likely pathogenic for Autosomal recessive limb-girdle muscular dystrophy type 2T. Last evaluated: 2023-02-23. Review status: criteria provided, single submitter. Criteria: ACMG Guidelines, 2015. Collection method: clinical testing. Allele origin: unknown. Affected: yes.
Comment: The variant is not observed in the gnomAD v2.1.1 dataset. This variant was predicted to alter splicing and result in a loss or disruption of normal protein function. Multiple pathogenic loss-of-function variants are reported downstream of the variant. Therefore, this variant is classified as Likely pathogenic according to the recommendation of ACMG/AMP guideline.

Revvity Omics, Revvity
Classification: Likely pathogenic. Last evaluated: 2020-11-05. Review status: criteria provided, single submitter. Criteria: ACMG Guidelines, 2015. Collection method: clinical testing. Allele origin: germline.

NM_021971.4(GMPPB):c.129+1G>T

Gene: GMPPB (GDP-mannose pyrophosphorylase B; minus strand). Cytogenetic location: 3p21.31.
Variant type: single nucleotide variant.
Coding change: c.129+1G>T on transcript NM_021971.4 (MANE Select); the canonical splice donor site of the intron after coding-DNA position 129, G replaced by T.
Molecular consequence: splice donor variant.
Genome position (GRCh38, 1-based): chr3:49,723,597, C>A on the plus strand (G>T on the coding strand, the complement: GMPPB is on the minus strand). VCF-style: chr3-49723597-C-A. GRCh37 (hg19) VCF-style: chr3-49761030-C-A.
Other names: c.129+1G>T (NM_013334.4).
Identifiers: ClinVar variation 1324489 (VCV001324489.5), dbSNP rs2108213393, ClinGen allele CA352831203.